The following is an entry in ClinVar:

ClinVar aggregate classification (germline): Uncertain significance (1 of 4 stars; one submission).

Submission:

Ambry Genetics
Classification: Uncertain significance. Last evaluated: 2024-10-04. Review status: criteria provided, single submitter. Criteria: Ambry Variant Classification Scheme 2023. Collection method: clinical testing. Allele origin: germline.
Comment: The p.K264R variant (also known as c.791A>G), located in coding exon 1 of the CDK12 gene, results from an A to G substitution at nucleotide position 791. The lysine at codon 264 is replaced by arginine, an amino acid with highly similar properties. This amino acid position is conserved. In addition, this alteration is predicted to be tolerated by in silico analysis. Based on the available evidence, the clinical significance of this variant remains unclear.

NM_016507.4(CDK12):c.791A>G (p.Lys264Arg)

Genes: CDK12 (cyclin dependent kinase 12; plus strand), LOC126862553 (CDK7 strongly-dependent group 2 enhancer GRCh37_chr17:37618166-37619365; plus strand). Cytogenetic location: 17q12.
Variant type: single nucleotide variant.
Coding change: c.791A>G on transcript NM_016507.4 (MANE Select); coding-DNA position 791, A replaced by G.
Protein change: p.Lys264Arg; replaces lysine 264 with arginine.
Molecular consequence: missense variant.
Genome position (GRCh38, 1-based): chr17:39,462,862, A>G. VCF-style: chr17-39462862-A-G. GRCh37 (hg19) VCF-style: chr17-37619115-A-G.
Other names: c.791A>G, p.Lys264Arg (NM_015083.4); short protein forms K264R.
Identifiers: ClinVar variation 3489169 (VCV003489169.1).
Genomic context (GRCh38, chr17:39,462,862, plus strand): 5'-AAGATTATGACCTTAGTCCCTCACGATCTCATACCTCGAGCAATTATGACTCCTACAAGA[A>G]AAGTCCTGGAAGTACCTCGAGAAGGCAGTCGGTCAGTCCCCCTTACAAGGAGCCTTCGGC-3'
Protein context (NP_057591.2, residues 254-274): HTSSNYDSYK[Lys264Arg]SPGSTSRRQS